The following is an entry in ClinVar:

ClinVar aggregate classification (germline): Conflicting classifications of pathogenicity. Review status: criteria provided, conflicting classifications (1 of 4 stars). 2 submissions from 2 submitters: Pathogenic (1); Uncertain significance (1). Last evaluated 2025-06-16.

Conditions:
Leber congenital amaurosis 13 (LCA13). Identifiers: MedGen C2675186, MONDO:0012990, OMIM 612712.

Allele frequency attached by ClinVar (database versions not stated): gnomAD 0.00001; TOPMed 0.00001; gnomAD exomes below 0.00001.
gnomAD v4.1: 2 of 1,613,886 alleles (0.00012%); highest among the groups gnomAD compares: African/African-American, 0.0027%; no homozygotes.

Submissions (2):

Labcorp Genetics (formerly Invitae), Labcorp
Classification: Pathogenic for Leber congenital amaurosis 13. Last evaluated: 2025-06-16. Review status: criteria provided, single submitter. Criteria: Invitae Variant Classification Sherloc (09022015). Collection method: clinical testing. Allele origin: germline.
Comment: This sequence change replaces aspartic acid, which is acidic and polar, with glycine, which is neutral and non-polar, at codon 187 of the RDH12 protein (p.Asp187Gly). This variant is present in population databases (no rsID available, gnomAD 0.007%). This missense change has been observed in individual(s) with clinical features of autosomal recessive retinitis pigmentosa (internal data). In at least one individual the data is consistent with being in trans (on the opposite chromosome) from a pathogenic variant. ClinVar contains an entry for this variant (Variation ID: 866454). Invitae Evidence Modeling of protein sequence and biophysical properties (such as structural, functional, and spatial information, amino acid conservation, physicochemical variation, residue mobility, and thermodynamic stability) has been performed for this missense variant. However, the output from this modeling did not meet the statistical confidence thresholds required to predict the impact of this variant on RDH12 protein function. This variant disrupts the p.Asp187 amino acid residue in RDH12. Other variant(s) that disrupt this residue have been determined to be pathogenic (PMID: 34001834). This suggests that this residue is clinically significant, and that variants that disrupt this residue are likely to be disease-causing. For these reasons, this variant has been classified as Pathogenic.

Blueprint Genetics
Classification: Uncertain significance. Last evaluated: 2017-08-09. Review status: criteria provided, single submitter. Criteria: ACMG Guidelines, 2015. Collection method: clinical testing. Allele origin: germline.

Literature cited by the submitters: PubMed 34001834 (cited by Labcorp Genetics (formerly Invitae), Labcorp).

NM_152443.3(RDH12):c.560A>G (p.Asp187Gly)

Genes: GPHN (gephyrin; plus strand), RDH12 (retinol dehydrogenase 12; plus strand). Cytogenetic location: 14q24.1.
Variant type: single nucleotide variant.
Coding change: c.560A>G on transcript NM_152443.3 (MANE Select); coding-DNA position 560, A replaced by G.
Protein change: p.Asp187Gly; replaces aspartic acid 187 with glycine.
Molecular consequence: missense variant.
Genome position (GRCh38, 1-based): chr14:67,727,092, A>G. VCF-style: chr14-67727092-A-G. GRCh37 (hg19) VCF-style: chr14-68193809-A-G.
Other names: short protein forms D187G.
Identifiers: ClinVar variation 866454 (VCV000866454.13), dbSNP rs1262243990, ClinGen allele CA390151126.
Genomic context (GRCh38, chr14:67,727,092, plus strand): 5'-CTGCACGGGTGGTTAATGTGTCCTCGGTGGCTCACCACATTGGCAAGATTCCCTTCCACG[A>G]CCTCCAGAGCGAGAAGCGCTACAGCAGGGGTTTTGCCTATTGCCACAGCAAGCTGGCCAA-3'
Protein context (NP_689656.2, residues 177-197): AHHIGKIPFH[Asp187Gly]LQSEKRYSRG